The following is an entry in ClinVar:

NM_024334.3(TMEM43):c.204C>G (p.Leu68=)

Gene: TMEM43 (transmembrane protein 43; plus strand). Cytogenetic location: 3p25.1.
Variant type: single nucleotide variant.
Coding change: c.204C>G on transcript NM_024334.3 (MANE Select); coding-DNA position 204, C replaced by G.
Protein change: p.Leu68=; no amino-acid change (leucine 68 retained).
Molecular consequence: synonymous variant.
Genome position (GRCh38, 1-based): chr3:14,130,863, C>G. VCF-style: chr3-14130863-C-G. GRCh37 (hg19) VCF-style: chr3-14172363-C-G.
Other names: c.204C>G, p.Leu68= (NM_001407274.1, NM_001407275.1, NM_001407276.1 and 2 more transcripts); c.189C>G, p.Leu63= (NM_001407278.1); c.54C>G, p.Leu18= (NM_001407280.1).
Identifiers: ClinVar variation 2882435 (VCV002882435.4), dbSNP rs752403292, ClinGen allele CA052169.

ClinVar aggregate classification (germline): Likely benign. Review status: criteria provided, multiple submitters, no conflicts (2 of 4 stars). 2 submissions from 2 submitters: Likely benign (2). Last evaluated 2023-09-04.

Conditions:
Arrhythmogenic right ventricular dysplasia 5. Also called: Arrhythmogenic Right Ventricular Dysplasia/Cardiomyopathy 5; ARRHYTHMOGENIC RIGHT VENTRICULAR DYSPLASIA, FAMILIAL, 5. Identifiers: MedGen C1858379, MONDO:0011459, OMIM 604400.

gnomAD v4.1: 2 of 1,613,828 alleles (0.00012%); highest among the groups gnomAD compares: East Asian, 0.0022%; no homozygotes.

Submissions (2):

All of Us Research Program, National Institutes of Health
Classification: Likely benign for Arrhythmogenic right ventricular dysplasia 5. Last evaluated: 2023-09-04. Review status: criteria provided, single submitter. Criteria: ACMG Guidelines, 2015. Collection method: clinical testing. Allele origin: germline. Inheritance: Autosomal dominant inheritance. Observed: 1 variant allele, 1 heterozygote.
Comment: This study involves interpretation of variants in research participants for the purpose of population health screening. Participant phenotype was not available at the time of variant classification. Additional details can be found in publication PMID: 35346344, PMCID: PMC8962531

Labcorp Genetics (formerly Invitae), Labcorp
Classification: Likely benign for Arrhythmogenic right ventricular dysplasia 5. Last evaluated: 2023-06-19. Review status: criteria provided, single submitter. Criteria: Invitae Variant Classification Sherloc (09022015). Collection method: clinical testing. Allele origin: germline.